The following is an entry in ClinVar:

NM_012414.4(RAB3GAP2):c.1709A>G (p.Asn570Ser)

Gene: RAB3GAP2 (RAB3 GTPase activating non-catalytic protein subunit 2; minus strand). Cytogenetic location: 1q41.
Variant type: single nucleotide variant.
Coding change: c.1709A>G on transcript NM_012414.4 (MANE Select); coding-DNA position 1709, A replaced by G.
Protein change: p.Asn570Ser; replaces asparagine 570 with serine.
Molecular consequence: missense variant.
Genome position (GRCh38, 1-based): chr1:220,190,069, T>C on the plus strand (A>G on the coding strand, the complement: RAB3GAP2 is on the minus strand). VCF-style: chr1-220190069-T-C. GRCh37 (hg19) VCF-style: chr1-220363411-T-C.
Other names: short protein forms N570S.
Identifiers: ClinVar variation 295657 (VCV000295657.22), dbSNP rs143286302, ClinGen allele CA1402627.

ClinVar aggregate classification (germline): Benign. Review status: criteria provided, multiple submitters, no conflicts (2 of 4 stars). 7 submissions from 6 submitters: Benign (4). 3 of the submissions do not count toward it. Last evaluated 2025-09-30.

Conditions:
Martsolf syndrome (MARTS). Also called: Congenital cataract with intellectual disability and hypogonadotropic hypogonadism syndrome. Identifiers: Orphanet 1387, MedGen C0796037, MONDO:0023910.
Warburg micro syndrome 2 (WARBM2). Also called: MICRO SYNDROME 2. Identifiers: Orphanet 2510, MedGen C3280214, MONDO:0013641, OMIM 614225.
RAB3GAP2-related disorder. Also called: RAB3GAP2-related condition; RAB3GAP2-related disorders.

Allele frequency attached by ClinVar (database versions not stated): gnomAD 0.00006 and 0.00075; ESP Exome Variant Server 0.00008; TOPMed 0.00015; gnomAD exomes 0.00136 and 0.00259; ExAC 0.00293; 1000 Genomes Project 30x 0.00437; 1000 Genomes Project 0.00459.
gnomAD v4.1: 2,081 of 1,605,950 alleles (0.13%); highest among the groups gnomAD compares: South Asian, 2.1%; 34 homozygotes.

Submissions (7):

Labcorp Genetics (formerly Invitae), Labcorp
Classification: Benign for Martsolf syndrome; Warburg micro syndrome 2. Last evaluated: 2025-09-30. Review status: criteria provided, single submitter. Criteria: Invitae Variant Classification Sherloc (09022015). Collection method: clinical testing. Allele origin: germline.

GeneDx
Classification: Benign. Last evaluated: 2018-10-02. Review status: criteria provided, single submitter. Criteria: GeneDx Variant Classification Process June 2021. Collection method: clinical testing. Allele origin: germline. Affected: yes.

Illumina Laboratory Services, Illumina
Classification: Benign for Martsolf syndrome 1. Last evaluated: 2018-01-13. Review status: criteria provided, single submitter. Criteria: ICSL Variant Classification Criteria 13 December 2019. Collection method: clinical testing. Allele origin: germline.
Comment: This variant was observed in the ICSL laboratory as part of a predisposition screen in an ostensibly healthy population. It had not been previously curated by ICSL or reported in the Human Gene Mutation Database (HGMD: prior to June 1st, 2018), and was therefore a candidate for classification through an automated scoring system. Utilizing variant allele frequency, disease prevalence and penetrance estimates, and inheritance mode, an automated score was calculated to assess if this variant is too frequent to cause the disease. Based on the score and internal cut-off values, a variant classified as benign is not then subjected to further curation. The score for this variant resulted in a classification of benign for this disease.

Illumina Laboratory Services, Illumina
Classification: Benign for Warburg micro syndrome 2. Last evaluated: 2018-01-13. Review status: criteria provided, single submitter. Criteria: ICSL Variant Classification Criteria 13 December 2019. Collection method: clinical testing. Allele origin: germline.
Comment: the same text as in the submission from Illumina Laboratory Services, Illumina above.

PreventionGenetics, part of Exact Sciences
Classification: Benign for RAB3GAP2-related condition. Last evaluated: 2019-05-30. Review status: no assertion criteria provided. Collection method: clinical testing. Allele origin: germline. Not counted in ClinVar's aggregate classification.
Comment: This variant is classified as benign based on ACMG/AMP sequence variant interpretation guidelines (Richards et al. 2015 PMID: 25741868, with internal and published modifications).

Clinical Genetics DNA and cytogenetics Diagnostics Lab, Erasmus MC, Erasmus Medical Center
Classification: Benign. Review status: no assertion criteria provided. Collection method: clinical testing. Allele origin: germline. Affected: yes. Study: VKGL Data-share Consensus. Not counted in ClinVar's aggregate classification.

Laboratory of Diagnostic Genome Analysis, Leiden University Medical Center (LUMC)
Classification: Likely benign. Review status: no assertion criteria provided. Collection method: clinical testing. Allele origin: germline. Affected: yes. Study: VKGL Data-share Consensus. Not counted in ClinVar's aggregate classification.